The following is an entry in ClinVar:

ClinVar aggregate classification (germline): Uncertain significance (1 of 4 stars; one submission).

Allele frequency attached by ClinVar (database versions not stated): gnomAD exomes below 0.00001; ExAC 0.00001.
gnomAD v4.1: 4 of 1,611,360 alleles (0.00025%); highest among the groups gnomAD compares: Non-Finnish European, 0.00034%; no homozygotes.

Submission:

Ambry Genetics
Classification: Uncertain significance. Last evaluated: 2022-11-03. Review status: criteria provided, single submitter. Criteria: Ambry Variant Classification Scheme 2023. Collection method: clinical testing. Allele origin: germline.
Comment: The p.L653I variant (also known as c.1957T>A), located in coding exon 18 of the PRKDC gene, results from a T to A substitution at nucleotide position 1957. The leucine at codon 653 is replaced by isoleucine, an amino acid with highly similar properties. This amino acid position is conserved. In addition, this alteration is predicted to be tolerated by in silico analysis. Since supporting evidence is limited at this time, the clinical significance of this alteration remains unclear.

NM_006904.7(PRKDC):c.1957T>A (p.Leu653Ile)

Gene: PRKDC (protein kinase, DNA-activated, catalytic subunit; minus strand). Cytogenetic location: 8q11.21.
Variant type: single nucleotide variant.
Coding change: c.1957T>A on transcript NM_006904.7 (MANE Select); coding-DNA position 1957, T replaced by A.
Protein change: p.Leu653Ile; replaces leucine 653 with isoleucine.
Molecular consequence: missense variant.
Genome position (GRCh38, 1-based): chr8:47,929,948, A>T on the plus strand (T>A on the coding strand, the complement: PRKDC is on the minus strand). VCF-style: chr8-47929948-A-T. GRCh37 (hg19) VCF-style: chr8-48842508-A-T.
Other names: c.1957T>A, p.Leu653Ile (NM_001081640.2); short protein forms L653I.
Identifiers: ClinVar variation 2449802 (VCV002449802.2), dbSNP rs748908017, ClinGen allele CA4741587.
Genomic context (GRCh38, chr8:47,929,948, plus strand): 5'-TAATAGAAAGCAATTTGTAGAAACCACTGATGAGGGGCAACCTTGTAGATTGCAAAATTA[A>T]TTCATATGAAAATGAGTACACCCATGGTTCAAAAAATTCTGCTTGTTTCTCAGGGAGAAT-3'
Protein context (NP_008835.5, residues 643-663): EPWVYSFSYE[Leu653Ile]ILQSTRLPLI